The following is an entry in ClinVar:

NM_007055.4(POLR3A):c.1451G>A (p.Arg484Gln)

Gene: POLR3A (RNA polymerase III subunit A; minus strand). Cytogenetic location: 10q22.3.
Variant type: single nucleotide variant.
Coding change: c.1451G>A on transcript NM_007055.4 (MANE Select); coding-DNA position 1451, G replaced by A.
Protein change: p.Arg484Gln; replaces arginine 484 with glutamine.
Molecular consequence: missense variant.
Genome position (GRCh38, 1-based): chr10:78,013,771, C>T on the plus strand (G>A on the coding strand, the complement: POLR3A is on the minus strand). VCF-style: chr10-78013771-C-T. GRCh37 (hg19) VCF-style: chr10-79773529-C-T.
Other names: NM_007055.4:c.1451G>A; short protein forms R484Q.
Identifiers: ClinVar variation 2687893 (VCV002687893.1), dbSNP rs1376110127, ClinGen allele CA377342220.

ClinVar aggregate classification (germline): Uncertain significance (1 of 4 stars; one submission).

Conditions:
Leukodystrophy, hypomyelinating, 7, with or without oligodontia and/or hypogonadotropic hypogonadism (HLD7). Also called: LEUKOENCEPHALOPATHY, HYPOMYELINATING, WITH ATAXIA AND DELAYED DENTITION; ATAXIA, DELAYED DENTITION, AND HYPOMYELINATION; LEUKODYSTROPHY, HYPOMYELINATING, 7, WITH OLIGODONTIA; LEUKODYSTROPHY, HYPOMYELINATING, 7, WITH OLIGODONTIA AND HYPOGONADOTROPIC HYPOGONADISM; LEUKODYSTROPHY, HYPOMYELINATING, 7, WITHOUT OLIGODONTIA OR HYPOGONADOTROPIC HYPOGONADISM; Ataxia, Delayed Dentition and Hypomyelination (ADDH). Identifiers: Orphanet 137639, Orphanet 447893, Orphanet 447896, Orphanet 77295, Orphanet 88637, MedGen CN034185, MONDO:0011897, OMIM 607694.

Allele frequency attached by ClinVar (database versions not stated): gnomAD exomes 0.00001; TOPMed 0.00001.
gnomAD v4.1: 11 of 1,613,920 alleles (0.00068%); highest among the groups gnomAD compares: East Asian, 0.0022%; no homozygotes.

Submission:

Broad Center for Mendelian Genomics, Broad Institute of MIT and Harvard
Classification: Uncertain significance for Leukodystrophy, hypomyelinating, 7, with or without oligodontia and/or hypogonadotropic hypogonadism. Last evaluated: 2024-01-24. Review status: criteria provided, single submitter. Criteria: ACMG Guidelines, 2015. Collection method: curation. Allele origin: germline. Inheritance: Autosomal recessive inheritance.
Comment: The p.Arg484Gln variant in POLR3A has been reported in 1 individual, in the compound heterozygous state, with POLR3A-related disorders (PMID: 32483275) and has been identified in 0.0009% (1/113570) of European (non-Finnish) chromosomes by the Genome Aggregation Database (gnomAD; dbSNP ID: rs1376110127). Although this variant has been seen in the general population in a heterozygous state, its frequency is low enough to be consistent with a recessive carrier frequency. In vitro functional studies provide some evidence that the p.Arg484Gln variant may impact protein function (PMID: 32483275). However, these types of assays may not accurately represent biological function. Computational prediction tools and conservation analyses do not provide strong support for or against an impact to the protein. In summary, the clinical significance of the p.Arg484Gln variant is uncertain. ACMG/AMP Criteria applied: PM2_supporting, PS3_moderate (Richards 2015).

Literature cited by the submitters: PubMed 32483275.